The following is an entry in ClinVar:

ClinVar aggregate classification (germline): Likely pathogenic (1 of 4 stars; one submission).

Conditions:
Dilated cardiomyopathy 1G (CMD1G). Identifiers: Orphanet 154, MedGen C1858763, MONDO:0011400, OMIM 604145.
Autosomal recessive limb-girdle muscular dystrophy type 2J (LGMDR10). Also called: Limb-girdle muscular dystrophy, type 2J; MUSCULAR DYSTROPHY, LIMB-GIRDLE, AUTOSOMAL RECESSIVE 10. Identifiers: Orphanet 140922, MedGen C1837342, MONDO:0012127, OMIM 608807.

Submission:

Labcorp Genetics (formerly Invitae), Labcorp
Classification: Likely pathogenic for Dilated cardiomyopathy 1G; Autosomal recessive limb-girdle muscular dystrophy type 2J. Last evaluated: 2024-11-27. Review status: criteria provided, single submitter. Criteria: Invitae Variant Classification Sherloc (09022015). Collection method: clinical testing. Allele origin: germline.
Comment: This sequence change creates a premature translational stop signal (p.Ser29123Argfs*21) in the TTN gene. While this is not anticipated to result in nonsense mediated decay, it is expected to create a truncated TTN protein. This variant is not present in population databases (gnomAD no frequency). This variant has not been reported in the literature in individuals affected with TTN-related conditions. ClinVar contains an entry for this variant (Variation ID: 2065547). This variant is located in the A band of TTN (PMID: 25589632). Truncating variants in this region are significantly overrepresented in patients affected with dilated cardiomyopathy (PMID: 25589632). Truncating variants in this region have also been reported in individuals affected with autosomal recessive centronuclear myopathy (PMID: 23975875). In summary, the currently available evidence indicates that the variant is pathogenic, but additional data are needed to prove that conclusively. Therefore, this variant has been classified as Likely Pathogenic.

Literature cited by the submitters: PubMed 25589632; PubMed 23975875.

NM_001267550.2(TTN):c.87346_87368dup (p.Ser29123fs)

Genes: TTN (titin; minus strand), TTN-AS1 (TTN antisense RNA 1; plus strand). Cytogenetic location: 2q31.2.
Variant type: Duplication.
Coding change: c.87346_87368dup on transcript NM_001267550.2 (MANE Select); coding-DNA positions 87346 to 87368, 23 bases duplicated (GAAATCACTGCTGCCAACTCCAG).
Protein change: p.Ser29123fs; shifts the reading frame from serine 29123.
Molecular consequence: frameshift variant.
Genome position (GRCh38, 1-based): chr2:178,557,986-178,558,008, CTGGAGTTGGCAGCAGTGATTTC duplicated on the plus strand (GAAATCACTGCTGCCAACTCCAG on the coding strand, the reverse complement: TTN is on the minus strand). VCF-style (leftmost placement, unchanged base first): chr2-178557985-A-ACTGGAGTTGGCAGCAGTGATTTC. GRCh37 (hg19) VCF-style: chr2-179422712-A-ACTGGAGTTGGCAGCAGTGATTTC.
Other names: c.82423_82445dup, p.Ser27482fs (NM_001256850.1); c.60151_60173dup, p.Ser20058fs (NM_003319.4); c.79642_79664dup, p.Ser26555fs (NM_133378.4); c.60526_60548dup, p.Ser20183fs (NM_133432.3); c.60727_60749dup, p.Ser20250fs (NM_133437.4); short protein forms S20250fs, S20183fs, S27482fs, S29123fs, S20058fs, S26555fs.
Identifiers: ClinVar variation 2065547 (VCV002065547.4), dbSNP rs2469552559, ClinGen allele CA2580064740.
Genomic context (GRCh38, chr2:178,557,985, plus strand): 5'-GCCAGTTGGAGGACCAGGCCTGTCTAGCACAACAATGTTAATGAAAGCTTTGGTTGTACC[A>ACTGGAGTTGGCAGCAGTGATTTC]CTGGAGTTGGCAGCAGTGATTTCATATCTCCCAGCGTCAGCTGTAACACTTTCTTTGAGA-3'